The following is an entry in ClinVar:

NM_144666.3(DNHD1):c.3409C>T (p.Arg1137Ter)

Gene: DNHD1 (dynein heavy chain domain 1; plus strand). Cytogenetic location: 11p15.4.
Variant type: single nucleotide variant.
Coding change: c.3409C>T on transcript NM_144666.3 (MANE Select); coding-DNA position 3409, C replaced by T.
Protein change: p.Arg1137Ter; replaces arginine 1137 with a stop codon.
Molecular consequence: nonsense.
Genome position (GRCh38, 1-based): chr11:6,539,302, C>T. VCF-style: chr11-6539302-C-T. GRCh37 (hg19) VCF-style: chr11-6560532-C-T.
Other names: short protein forms R1137*.
Identifiers: ClinVar variation 5019481 (VCV005019481.2).

ClinVar aggregate classification (germline): Likely pathogenic (1 of 4 stars; one submission).

Conditions:
Spermatogenic failure 65 (SPGF65). Identifiers: MedGen C5562067, MONDO:0030531, OMIM 619712.

gnomAD v4.1: 33 of 1,551,178 alleles (0.0021%); highest among the groups gnomAD compares: East Asian, 0.051%; no homozygotes.

Submission:

Juno Genomics, Hangzhou Juno Genomics, Inc
Classification: Likely pathogenic for Spermatogenic failure 65. Review status: criteria provided, single submitter. Criteria: ACMG Guidelines, 2015. Collection method: clinical testing. Allele origin: germline.
Comment: Absent from controls (or at extremely low frequency if recessive) in Genome Aggregation Database.;Null variant in a gene where loss of function (LOF) is a known mechanism of disease.